The following is an entry in ClinVar:

NM_001923.5(DDB1):c.2095C>G (p.Leu699Val)

Gene: DDB1 (damage specific DNA binding protein 1; minus strand). Cytogenetic location: 11q12.2.
Variant type: single nucleotide variant.
Coding change: c.2095C>G on transcript NM_001923.5 (MANE Select); coding-DNA position 2095, C replaced by G.
Protein change: p.Leu699Val; replaces leucine 699 with valine.
Molecular consequence: missense variant.
Genome position (GRCh38, 1-based): chr11:61,312,059, G>C on the plus strand (C>G on the coding strand, the complement: DDB1 is on the minus strand). VCF-style: chr11-61312059-G-C. GRCh37 (hg19) VCF-style: chr11-61079531-G-C.
Other names: short protein forms L699V.
Identifiers: ClinVar variation 3390528 (VCV003390528.1).

ClinVar aggregate classification (germline): Uncertain significance (1 of 4 stars; one submission).

Submission:

GeneDx
Classification: Uncertain significance. Last evaluated: 2024-06-14. Review status: criteria provided, single submitter. Criteria: GeneDx Variant Classification Process June 2021. Collection method: clinical testing. Allele origin: germline. Affected: yes.
Comment: Not observed at significant frequency in large population cohorts (gnomAD); In silico analysis indicates that this missense variant does not alter protein structure/function; Has not been previously published as pathogenic or benign to our knowledge